The following is an entry in ClinVar:

ClinVar aggregate classification (germline): Uncertain significance. Review status: criteria provided, multiple submitters, no conflicts (2 of 4 stars). 2 submissions from 2 submitters: Uncertain significance (2). Last evaluated 2025-02-27.

Submissions (2):

Ambry Genetics
Classification: Uncertain significance. Last evaluated: 2025-02-27. Review status: criteria provided, single submitter. Criteria: Ambry Variant Classification Scheme 2023. Collection method: clinical testing. Allele origin: germline.

GeneDx
Classification: Uncertain significance. Last evaluated: 2023-02-14. Review status: criteria provided, single submitter. Criteria: GeneDx Variant Classification Process June 2021. Collection method: clinical testing. Allele origin: germline. Affected: yes.
Comment: Not observed at significant frequency in large population cohorts (gnomAD); In silico analysis supports that this missense variant has a deleterious effect on protein structure/function; Has not been previously published as pathogenic or benign to our knowledge

NM_001127496.3(SPRY4):c.892C>G (p.Pro298Ala)

Gene: SPRY4 (sprouty RTK signaling antagonist 4; minus strand). Cytogenetic location: 5q31.3.
Variant type: single nucleotide variant.
Coding change: c.892C>G on transcript NM_001127496.3 (MANE Select); coding-DNA position 892, C replaced by G.
Protein change: p.Pro298Ala; replaces proline 298 with alanine.
Molecular consequence: missense variant.
Genome position (GRCh38, 1-based): chr5:142,314,217, G>C on the plus strand (C>G on the coding strand, the complement: SPRY4 is on the minus strand). VCF-style: chr5-142314217-G-C. GRCh37 (hg19) VCF-style: chr5-141693782-G-C.
Other names: c.892C>G, p.Pro298Ala (NM_001293289.3, NM_001293290.3); c.961C>G, p.Pro321Ala (NM_030964.5); short protein forms P298A, P321A.
Identifiers: ClinVar variation 2575861 (VCV002575861.2), dbSNP rs1179940347, ClinGen allele CA361599117.